The following is an entry in ClinVar:

ClinVar aggregate classification (germline): Likely benign (1 of 4 stars; one submission).

Submission:

CeGaT Center for Human Genetics Tuebingen
Classification: Likely benign. Last evaluated: 2026-02-01. Review status: criteria provided, single submitter. Criteria: CeGaT Center For Human Genetics Tuebingen Variant Classification Criteria Version 2. Collection method: clinical testing. Allele origin: germline. Affected: yes. Observed: 1 variant allele.
Comment: STRC: BP4, BP7

NM_153700.2(STRC):c.402A>C (p.Ala134=)

Gene: STRC (stereocilin; minus strand). Cytogenetic location: 15q15.3.
Variant type: single nucleotide variant.
Coding change: c.402A>C on transcript NM_153700.2 (MANE Select); coding-DNA position 402, A replaced by C.
Protein change: p.Ala134=; no amino-acid change (alanine 134 retained).
Molecular consequence: synonymous variant.
Genome position (GRCh38, 1-based): chr15:43,618,019, T>G on the plus strand (A>C on the coding strand, the complement: STRC is on the minus strand). VCF-style: chr15-43618019-T-G. GRCh37 (hg19) VCF-style: chr15-43910217-T-G.
Identifiers: ClinVar variation 4821032 (VCV004821032.4).
Genomic context (GRCh38, chr15:43,618,019, plus strand): 5'-AGGGGGGCCCCCAGGAACTAAGGCTCCCAGCAGCACCTCCACAAGTCCACCCAGCACCCC[T>G]GCCTGGTGCACCAGGAAATCTCGGGGAGTCTGCTCCTGTCCCAGCAGTGCCAGCATATCC-3'
Protein context (NP_714544.1, residues 124-144): QTPRDFLVHQ[Ala134=]GVLGGLVEVL